The following is an entry in ClinVar:

NM_032119.4(ADGRV1):c.18841G>A (p.Gly6281Ser)

Gene: ADGRV1 (adhesion G protein-coupled receptor V1; plus strand). Cytogenetic location: 5q14.3.
Variant type: single nucleotide variant.
Coding change: c.18841G>A on transcript NM_032119.4 (MANE Select); coding-DNA position 18841, G replaced by A.
Protein change: p.Gly6281Ser; replaces glycine 6281 with serine.
Molecular consequence: missense variant. On other transcripts: non-coding transcript variant (1).
Genome position (GRCh38, 1-based): chr5:91,163,820, G>A. VCF-style: chr5-91163820-G-A. GRCh37 (hg19) VCF-style: chr5-90459637-G-A.
Other names: c.18841G>A (NM_032119.3); short protein forms G6281S.
Identifiers: ClinVar variation 1487661 (VCV001487661.7), dbSNP rs2126977414, ClinGen allele CA360432918.

ClinVar aggregate classification (germline): Uncertain significance. Review status: criteria provided, multiple submitters, no conflicts (2 of 4 stars). 2 submissions from 2 submitters: Uncertain significance (2). Last evaluated 2024-07-05.

Conditions:
Inborn genetic diseases. Identifiers: MedGen C0950123, MeSH D030342.

Submissions (2):

Ambry Genetics
Classification: Uncertain significance for Inborn genetic diseases. Last evaluated: 2024-07-05. Review status: criteria provided, single submitter. Criteria: Ambry Variant Classification Scheme 2023. Collection method: clinical testing. Allele origin: germline.

Labcorp Genetics (formerly Invitae), Labcorp
Classification: Uncertain significance. Last evaluated: 2021-11-08. Review status: criteria provided, single submitter. Criteria: Invitae Variant Classification Sherloc (09022015). Collection method: clinical testing. Allele origin: germline.
Comment: This variant has not been reported in the literature in individuals affected with ADGRV1-related conditions. This variant is not present in population databases (gnomAD no frequency). This sequence change replaces glycine, which is neutral and non-polar, with serine, which is neutral and polar, at codon 6281 of the ADGRV1 protein (p.Gly6281Ser). In summary, the available evidence is currently insufficient to determine the role of this variant in disease. Therefore, it has been classified as a Variant of Uncertain Significance. Algorithms developed to predict the effect of missense changes on protein structure and function are either unavailable or do not agree on the potential impact of this missense change (SIFT: "Deleterious"; PolyPhen-2: "Probably Damaging"; Align-GVGD: "Class C0").